The following is an entry in ClinVar:

NM_001036.6(RYR3):c.6314G>A (p.Arg2105Gln)

Gene: RYR3 (ryanodine receptor 3; plus strand). Cytogenetic location: 15q14.
Variant type: single nucleotide variant.
Coding change: c.6314G>A on transcript NM_001036.6 (MANE Select); coding-DNA position 6314, G replaced by A.
Protein change: p.Arg2105Gln; replaces arginine 2105 with glutamine.
Molecular consequence: missense variant.
Genome position (GRCh38, 1-based): chr15:33,699,768, G>A. VCF-style: chr15-33699768-G-A. GRCh37 (hg19) VCF-style: chr15-33991969-G-A.
Other names: c.6314G>A, p.Arg2105Gln (NM_001243996.4); short protein forms R2105Q.
Identifiers: ClinVar variation 655287 (VCV000655287.8), dbSNP rs1412149237, ClinGen allele CA391583692.

ClinVar aggregate classification (germline): Uncertain significance (1 of 4 stars; one submission).

Conditions:
Epileptic encephalopathy. Identifiers: MedGen C0543888, HP:0200134.

Allele frequency attached by ClinVar (database versions not stated): gnomAD exomes below 0.00001; gnomAD 0.00001; TOPMed 0.00001.
gnomAD v4.1: 11 of 1,613,606 alleles (0.00068%); highest among the groups gnomAD compares: South Asian, 0.0055%; no homozygotes.

Submission:

Labcorp Genetics (formerly Invitae), Labcorp
Classification: Uncertain significance for Epileptic encephalopathy. Last evaluated: 2018-11-17. Review status: criteria provided, single submitter. Criteria: Invitae Variant Classification Sherloc (09022015). Collection method: clinical testing. Allele origin: germline.
Comment: In summary, the available evidence is currently insufficient to determine the role of this variant in disease. Therefore, it has been classified as a Variant of Uncertain Significance. Algorithms developed to predict the effect of missense changes on protein structure and function (SIFT, PolyPhen-2, Align-GVGD) all suggest that this variant is likely to be disruptive, but these predictions have not been confirmed by published functional studies and their clinical significance is uncertain. This variant has not been reported in the literature in individuals with RYR3-related disease. This variant is not present in population databases (ExAC no frequency). This sequence change replaces arginine with glutamine at codon 2105 of the RYR3 protein (p.Arg2105Gln). The arginine residue is highly conserved and there is a small physicochemical difference between arginine and glutamine.